The following is an entry in ClinVar:

NM_172364.5(CACNA2D4):c.1708C>A (p.Leu570Ile)

Gene: CACNA2D4 (calcium voltage-gated channel auxiliary subunit alpha2delta 4; minus strand). Cytogenetic location: 12p13.33.
Variant type: single nucleotide variant.
Coding change: c.1708C>A on transcript NM_172364.5 (MANE Select); coding-DNA position 1708, C replaced by A.
Protein change: p.Leu570Ile; replaces leucine 570 with isoleucine.
Molecular consequence: missense variant.
Genome position (GRCh38, 1-based): chr12:1,878,326, G>T on the plus strand (C>A on the coding strand, the complement: CACNA2D4 is on the minus strand). VCF-style: chr12-1878326-G-T. GRCh37 (hg19) VCF-style: chr12-1987492-G-T.
Other names: short protein forms L570I.
Identifiers: ClinVar variation 1352167 (VCV001352167.8), dbSNP rs2154449409, ClinGen allele CA383353349.

ClinVar aggregate classification (germline): Uncertain significance (1 of 4 stars; one submission).

Submission:

Labcorp Genetics (formerly Invitae), Labcorp
Classification: Uncertain significance. Last evaluated: 2020-11-28. Review status: criteria provided, single submitter. Criteria: Invitae Variant Classification Sherloc (09022015). Collection method: clinical testing. Allele origin: germline.
Comment: This variant is not present in population databases (ExAC no frequency). This sequence change replaces leucine with isoleucine at codon 570 of the CACNA2D4 protein (p.Leu570Ile). The leucine residue is highly conserved and there is a small physicochemical difference between leucine and isoleucine. This variant has not been reported in the literature in individuals with CACNA2D4-related conditions. In summary, the available evidence is currently insufficient to determine the role of this variant in disease. Therefore, it has been classified as a Variant of Uncertain Significance. Algorithms developed to predict the effect of missense changes on protein structure and function are either unavailable or do not agree on the potential impact of this missense change (SIFT: "Deleterious"; PolyPhen-2: "Probably Damaging"; Align-GVGD: "Class C0").